The following is an entry in ClinVar:

ClinVar aggregate classification (germline): Pathogenic (1 of 4 stars; one submission).

Conditions:
Trichorhinophalangeal dysplasia type I (TRPS1). Also called: TRICHORHINOPHALANGEAL SYNDROME, TYPE I; TRPS I. Identifiers: Orphanet 77258, MedGen C0432233, MONDO:0008596, OMIM 190350.
Trichorhinophalangeal syndrome, type III (TRPS3). Also called: SUGIO-KAJII SYNDROME. Identifiers: Orphanet 77258, MedGen C1860823, OMIM 190351, MONDO:0008597.

Submission:

Labcorp Genetics (formerly Invitae), Labcorp
Classification: Pathogenic for Trichorhinophalangeal syndrome, type III; Trichorhinophalangeal dysplasia type I. Last evaluated: 2023-04-28. Review status: criteria provided, single submitter. Criteria: Invitae Variant Classification Sherloc (09022015). Collection method: clinical testing. Allele origin: germline.
Comment: For these reasons, this variant has been classified as Pathogenic. This variant has not been reported in the literature in individuals affected with TRPS1-related conditions. This variant is not present in population databases (gnomAD no frequency). This sequence change creates a premature translational stop signal (p.Ser648Valfs*116) in the TRPS1 gene. It is expected to result in an absent or disrupted protein product. Loss-of-function variants in TRPS1 are known to be pathogenic (PMID: 11112658).

Literature cited by the submitters: PubMed 11112658.

NM_014112.5(TRPS1):c.1942del (p.Ser648fs)

Gene: TRPS1 (transcriptional repressor GATA binding 1; minus strand). Cytogenetic location: 8q23.3.
Variant type: Deletion.
Coding change: c.1942del on transcript NM_014112.5 (MANE Select); coding-DNA position 1942, one base deleted (A; older notation c.1942delA).
Protein change: p.Ser648fs; shifts the reading frame from serine 648.
Molecular consequence: frameshift variant.
Genome position (GRCh38, 1-based): chr8:115,604,027, T deleted on the plus strand (A on the coding strand, the reverse complement: TRPS1 is on the minus strand); the first of 3 consecutive T bases (chr8:115,604,027-115,604,029); deleting any one gives the same sequence. VCF-style (leftmost placement, unchanged base first): chr8-115604026-CT-C. GRCh37 (hg19) VCF-style: chr8-116616253-CT-C.
Other names: c.1915del, p.Ser639fs (NM_001282902.3); c.1921del, p.Ser641fs (NM_001282903.3); c.1903del, p.Ser635fs (NM_001330599.2); short protein forms S648fs, S635fs, S641fs, S639fs.
Identifiers: ClinVar variation 2947272 (VCV002947272.3), dbSNP rs2536888603, ClinGen allele CA2740095134.
Genomic context (GRCh38, chr8:115,604,026, plus strand): 5'-TCCGATCCTTGCAGGTGATTTGCTTCTTGTTTGACATCCGATGCTTGGGACTCATGCACA[CT>C]TTCATAGTGAAAGAGGAGTACATCTACGTCAGGGGTGGTGAATGAACACTGATGGCACTG-3'